The following is an entry in ClinVar:

NM_000883.4(IMPDH1):c.1584C>T (p.Val528=)

Gene: IMPDH1 (inosine monophosphate dehydrogenase 1; minus strand). Cytogenetic location: 7q32.1.
Variant type: single nucleotide variant.
Coding change: c.1584C>T on transcript NM_000883.4 (MANE Select); coding-DNA position 1584, C replaced by T.
Protein change: p.Val528=; no amino-acid change (valine 528 retained).
Molecular consequence: synonymous variant.
Genome position (GRCh38, 1-based): chr7:128,394,566, G>A on the plus strand (C>T on the coding strand, the complement: IMPDH1 is on the minus strand). VCF-style: chr7-128394566-G-A. GRCh37 (hg19) VCF-style: chr7-128034620-G-A.
Other names: c.1554C>T, p.Val518= (NM_001102605.2); c.1329C>T, p.Val443= (NM_001142573.2); c.1314C>T, p.Val438= (NM_001142574.2); c.1254C>T, p.Val418= (NM_001142575.2); c.1485C>T, p.Val495= (NM_001142576.2); c.1377C>T, p.Val459= (NM_001304521.2); c.1476C>T, p.Val492= (NM_183243.3); c.1584C>T (NM_000883.3).
Identifiers: ClinVar variation 1111215 (VCV001111215.10), dbSNP rs745379133, ClinGen allele CA4470780.

ClinVar aggregate classification (germline): Likely benign. Review status: criteria provided, multiple submitters, no conflicts (2 of 4 stars). 2 submissions from 2 submitters: Likely benign (2). Last evaluated 2026-06-18.

Conditions:
IMPDH1-related disorder. Also called: IMPDH1-related disorders; IMPDH1-related condition.

Allele frequency attached by ClinVar (database versions not stated): gnomAD exomes below 0.00001 and 0.00001; ExAC 0.00001; gnomAD 0.00002; TOPMed 0.00002.
gnomAD v4.1: 10 of 1,613,748 alleles (0.00062%); highest among the groups gnomAD compares: Non-Finnish European, 0.00076%; no homozygotes.

Submissions (2):

PreventionGenetics, part of Exact Sciences
Classification: Likely benign for IMPDH1-related condition. Last evaluated: 2026-06-18. Review status: criteria provided, single submitter. Criteria: ACMG Guidelines, 2015. Collection method: clinical testing. Allele origin: germline.
Comment: This variant is classified as likely benign based on ACMG/AMP sequence variant interpretation guidelines (Richards et al. 2015 PMID: 25741868, with internal and published modifications).

Labcorp Genetics (formerly Invitae), Labcorp
Classification: Likely benign. Last evaluated: 2025-03-27. Review status: criteria provided, single submitter. Criteria: Invitae Variant Classification Sherloc (09022015). Collection method: clinical testing. Allele origin: germline.